The following is an entry in ClinVar:

ClinVar aggregate classification (germline): Uncertain significance (1 of 4 stars; one submission).

Conditions:
Nephronophthisis. Also called: Juvenile Nephronophthisis. Identifiers: Orphanet 655, MedGen C0687120, MONDO:0019005, HP:0000090.

Submission:

Labcorp Genetics (formerly Invitae), Labcorp
Classification: Uncertain significance for Nephronophthisis. Last evaluated: 2022-08-10. Review status: criteria provided, single submitter. Criteria: Invitae Variant Classification Sherloc (09022015). Collection method: clinical testing. Allele origin: germline.
Comment: This variant is not present in population databases (gnomAD no frequency). In summary, the available evidence is currently insufficient to determine the role of this variant in disease. Therefore, it has been classified as a Variant of Uncertain Significance. Algorithms developed to predict the effect of missense changes on protein structure and function (SIFT, PolyPhen-2, Align-GVGD) all suggest that this variant is likely to be disruptive. This variant has not been reported in the literature in individuals affected with IQCB1-related conditions. This sequence change replaces isoleucine, which is neutral and non-polar, with asparagine, which is neutral and polar, at codon 10 of the IQCB1 protein (p.Ile10Asn).

NM_001023570.4(IQCB1):c.29T>A (p.Ile10Asn)

Gene: IQCB1 (IQ motif containing B1; minus strand). Cytogenetic location: 3q13.33.
Variant type: single nucleotide variant.
Coding change: c.29T>A on transcript NM_001023570.4 (MANE Select); coding-DNA position 29, T replaced by A.
Protein change: p.Ile10Asn; replaces isoleucine 10 with asparagine.
Molecular consequence: missense variant. On other transcripts: non-coding transcript variant (1).
Genome position (GRCh38, 1-based): chr3:121,828,932, A>T on the plus strand (T>A on the coding strand, the complement: IQCB1 is on the minus strand). VCF-style: chr3-121828932-A-T. GRCh37 (hg19) VCF-style: chr3-121547779-A-T.
Other names: c.29T>A, p.Ile10Asn (NM_001023571.4, NM_001319107.2); short protein forms I10N.
Identifiers: ClinVar variation 1716095 (VCV001716095.5), dbSNP rs2472530159, ClinGen allele CA354115057.